The following is an entry in ClinVar:

ClinVar aggregate classification (germline): Pathogenic (1 of 4 stars; one submission).

Submission:

Labcorp Genetics (formerly Invitae), Labcorp
Classification: Pathogenic. Last evaluated: 2025-09-02. Review status: criteria provided, single submitter. Criteria: Invitae Variant Classification Sherloc (09022015). Collection method: clinical testing. Allele origin: germline.
Comment: This sequence change creates a premature translational stop signal (p.Thr1689Asnfs*6) in the PCLO gene. It is expected to result in an absent or disrupted protein product. Loss-of-function variants in PCLO are known to be pathogenic (PMID: 25832664, 30287594). This variant is not present in population databases (gnomAD no frequency). This variant has not been reported in the literature in individuals affected with PCLO-related conditions. ClinVar contains an entry for this variant (Variation ID: 3721876). For these reasons, this variant has been classified as Pathogenic.

Literature cited by the submitters: PubMed 25832664; PubMed 30287594.

NM_033026.6(PCLO):c.5065dup (p.Thr1689fs)

Gene: PCLO (piccolo presynaptic cytomatrix protein; minus strand). Cytogenetic location: 7q21.11.
Variant type: Duplication.
Coding change: c.5065dup on transcript NM_033026.6 (MANE Select); coding-DNA position 5065, one base duplicated (A; older notation c.5065dupA).
Protein change: p.Thr1689fs; shifts the reading frame from threonine 1689.
Molecular consequence: frameshift variant.
Genome position (GRCh38, 1-based): chr7:82,955,888, T duplicated on the plus strand (A on the coding strand, the reverse complement: PCLO is on the minus strand); the first of 7 consecutive T bases (chr7:82,955,888-82,955,894); duplicating any one gives the same sequence. VCF-style (leftmost placement, unchanged base first): chr7-82955887-G-GT. GRCh37 (hg19) VCF-style: chr7-82585203-G-GT.
Other names: c.5065dup, p.Thr1689fs (NM_014510.3); short protein forms T1689fs.
Identifiers: ClinVar variation 3721876 (VCV003721876.2).